The following is an entry in ClinVar:

NM_018896.5(CACNA1G):c.6617A>G (p.Lys2206Arg)

Gene: CACNA1G (calcium voltage-gated channel subunit alpha1 G; plus strand). Cytogenetic location: 17q21.33.
Variant type: single nucleotide variant.
Coding change: c.6617A>G on transcript NM_018896.5 (MANE Select); coding-DNA position 6617, A replaced by G.
Protein change: p.Lys2206Arg; replaces lysine 2206 with arginine.
Molecular consequence: missense variant. On other transcripts: non-coding transcript variant (5), intron variant (3).
Genome position (GRCh38, 1-based): chr17:50,626,234, A>G. VCF-style: chr17-50626234-A-G. GRCh37 (hg19) VCF-style: chr17-48703595-A-G.
Other names: c.6428A>G, p.Lys2143Arg (NM_001256324.2); c.6359A>G, p.Lys2120Arg (NM_001256325.2); c.6347A>G, p.Lys2116Arg (NM_001256326.2); c.6317A>G, p.Lys2106Arg (NM_001256327.2); c.6263A>G, p.Lys2088Arg (NM_001256328.2); c.6236A>G, p.Lys2079Arg (NM_001256329.2, NM_198387.3); c.6203A>G, p.Lys2068Arg (NM_001256330.2); c.6182A>G, p.Lys2061Arg (NM_001256331.2); and 18 more; short protein forms K2056R, K2061R, K2068R, K2072R, K2075R, K2077R, K2079R, K2086R.
Identifiers: ClinVar variation 2662073 (VCV002662073.1), dbSNP rs2053775204, ClinGen allele CA400237719.

ClinVar aggregate classification (germline): Uncertain significance (1 of 4 stars; one submission).

Allele frequency attached by ClinVar (database versions not stated): TOPMed below 0.00001.

Submission:

GeneDx
Classification: Uncertain significance. Last evaluated: 2023-11-06. Review status: criteria provided, single submitter. Criteria: GeneDx Variant Classification Process June 2021. Collection method: clinical testing. Allele origin: germline. Affected: yes.
Comment: Not observed at significant frequency in large population cohorts (gnomAD); In silico analysis supports that this missense variant does not alter protein structure/function; Has not been previously published as pathogenic or benign to our knowledge